The following is an entry in ClinVar:

ClinVar aggregate classification (germline): Uncertain significance (1 of 4 stars; one submission).

Conditions:
Brugada syndrome. Also called: Sudden unexpected nocturnal death syndrome; Sudden unexplained nocturnal death syndrome; Sudden Unexplained Death Syndrome; Sudden Unexplained Nocturnal Death Syndrome (SUNDS). Identifiers: Orphanet 130, MedGen C1142166, MONDO:0015263.

Submission:

Labcorp Genetics (formerly Invitae), Labcorp
Classification: Uncertain significance for Brugada syndrome. Last evaluated: 2025-06-15. Review status: criteria provided, single submitter. Criteria: Invitae Variant Classification Sherloc (09022015). Collection method: clinical testing. Allele origin: germline.
Comment: This sequence change replaces serine, which is neutral and polar, with isoleucine, which is neutral and non-polar, at codon 210 of the CACNA2D1 protein (p.Ser210Ile). This variant is not present in population databases (gnomAD no frequency). This variant has not been reported in the literature in individuals affected with CACNA2D1-related conditions. An algorithm developed to predict the effect of missense changes on protein structure and function (PolyPhen-2) suggests that this variant is likely to be disruptive. In summary, the available evidence is currently insufficient to determine the role of this variant in disease. Therefore, it has been classified as a Variant of Uncertain Significance.

NM_000722.4(CACNA2D1):c.629G>T (p.Ser210Ile)

Gene: CACNA2D1 (calcium voltage-gated channel auxiliary subunit alpha2delta 1; minus strand). Cytogenetic location: 7q21.11.
Variant type: single nucleotide variant.
Coding change: c.629G>T on transcript NM_000722.4 (MANE Select); coding-DNA position 629, G replaced by T.
Protein change: p.Ser210Ile; replaces serine 210 with isoleucine.
Molecular consequence: missense variant.
Genome position (GRCh38, 1-based): chr7:82,084,798, C>A on the plus strand (G>T on the coding strand, the complement: CACNA2D1 is on the minus strand). VCF-style: chr7-82084798-C-A. GRCh37 (hg19) VCF-style: chr7-81714114-C-A.
Other names: c.629G>T, p.Ser210Ile (NM_001302890.2, NM_001366867.1); short protein forms S210I.
Identifiers: ClinVar variation 4721437 (VCV004721437.1).
Genomic context (GRCh38, chr7:82,084,798, plus strand): 5'-CTTGACAATGATTGAATCACTAAGCACCTACCTGGATAATATCGAGCTAGGCCAGTGGCA[C>A]TGCCAAAAACCTGCCACAATAATGAAGGGTCTTCCTCGCGATTCTTTTTGAAAACTTCAT-3'
Protein context (NP_000713.2, residues 200-220): DPSLLWQVFG[Ser210Ile]ATGLARYYPA